The following is an entry in ClinVar:

ClinVar aggregate classification (germline): Likely pathogenic (1 of 4 stars; one submission).

Conditions:
Peroxisome biogenesis disorder 1A (Zellweger) (PBD1A). Also called: Peroxisome biogenesis disorder 1a; Zellweger leukodystrophy. Identifiers: MedGen C4721541, MONDO:0008953, OMIM 214100.

Submission:

Labcorp Genetics (formerly Invitae), Labcorp
Classification: Likely pathogenic for Zellweger syndrome. Last evaluated: 2019-12-27. Review status: criteria provided, single submitter. Criteria: Invitae Variant Classification Sherloc (09022015). Collection method: clinical testing. Allele origin: germline.
Comment: This variant is a deletion of the genomic region encompassing exon 4 and part of exon 5 (c.357+199_1167del) of the PEX1 gene. It is expected to disrupt RNA splicing and likely results in an absent or disrupted protein product. This variant has not been reported in the literature in individuals with PEX1-related conditions. Loss-of-function variants in PEX1 are known to be pathogenic (PMID: 9398847, 16086329, 16141001, 21031596). In summary, the currently available evidence indicates that the variant is pathogenic, but additional data are needed to prove that conclusively. Therefore, this variant has been classified as Likely Pathogenic.

NM_000466.3(PEX1):c.357+202_1170del

Gene: PEX1 (peroxisomal biogenesis factor 1; minus strand). Cytogenetic location: 7q21.2.
Variant type: Deletion.
Coding change: c.357+202_1170del on transcript NM_000466.3 (MANE Select); 202 bases into the intron after coding-DNA position 357 through coding-DNA position 1170, 1,449 bases deleted.
Molecular consequence: splice acceptor variant, splice donor variant. On other transcripts: initiator codon variant (1).
Genome position (GRCh38, 1-based): chr7:92,517,345-92,518,793, 1,449 bases deleted. GRCh37 (hg19): chr7:92,146,662-92,148,110.
Other names: c.357+202_1170del (NM_001282677.2); c.-268+167_546del (NM_001282678.2).
Identifiers: ClinVar variation 863102 (VCV000863102.2), ClinGen allele CA916082939.